The following is an entry in ClinVar:

ClinVar aggregate classification (germline): Uncertain significance. Review status: reviewed by expert panel (3 of 4 stars). 3 submissions from 3 submitters: Uncertain significance (1). 2 of the submissions do not count toward it. Last evaluated 2026-02-06.

Conditions:
Monogenic diabetes. Identifiers: Orphanet 183625, MedGen C3888631, MONDO:0015967.
Maturity-onset diabetes of the young (MODY). Also called: Maturity onset diabetes mellitus in young. Identifiers: Orphanet 552, MedGen C0342276, MONDO:0018911, HP:0004904.

Submissions (3):

ClinGen Monogenic Diabetes Variant Curation Expert Panel
Classification: Uncertain significance for Monogenic diabetes. Last evaluated: 2026-02-06. Review status: reviewed by expert panel. Criteria: ClinGen Diabetes ACMG Specifications HNF1A V3.1.0. Collection method: curation. Allele origin: germline. Inheritance: Autosomal dominant inheritance.
Comment: The c.710A>C variant in the HNF1 homeobox A gene, HNF1A, causes an amino acid change of asparagine to threonine at codon 237 (p.(Asn237Thr)) of NM_000545.8. This variant is located within a conserved region of the DNA binding domain (codons 107-174 and 201-280) of HNF1A, which is defined as critical for the protein’s function by the ClinGen MDEP (PM1_Supporting). This variant is absent from gnomAD v4.1.0 (PM2_Supporting). This variant is predicted to be deleterious by computational evidence, with a REVEL score of 0.888, which is greater than the MDEP threshold of 0.70 (PP3). Another missense variant at the same residue, c.709A>G p.Asn237Asp, has been classified as pathogenic by the ClinGen MDEP and has a smaller Grantham distance than p.Asn237Thr (PM5). In summary, c.710A>C meets the criteria to be classified as a variant of uncertain significance for monogenic diabetes. ACMG/AMP criteria applied, as specified by the ClinGen MDEP (specification version 3.1.0, approved 10/10/2025): PM1_Supporting, PM2_Supporting, PM5, PP3.

Athena Diagnostics
Classification: Uncertain significance. Last evaluated: 2016-11-04. Review status: criteria provided, single submitter. Criteria: Athena Diagnostics Criteria. Collection method: clinical testing. Allele origin: germline. Not counted in ClinVar's aggregate classification.

Clinical Genomics, Uppaluri K&H Personalized Medicine Clinic
Classification: Uncertain risk allele for Maturity-onset diabetes of the young. Review status: criteria provided, single submitter. Criteria: K & H Uppaluri Personalized Medicine Clinic Variant Classification & Assertion Criteria_Updated V.1. Collection method: research. Allele origin: unknown. Inheritance: Autosomal dominant inheritance. Not counted in ClinVar's aggregate classification.
Comment: Mutations in HNF1A gene can predispose to MODY3. It is associated with both micro and macrovascular complications of diabetes, especially cardiovascular complications. Associated with glucosuria. May respond well to sulfonylureas. However, more evidence is required to confer the association of this particular variant rs1555211935 with MODY3.

Literature cited by the submitters: PubMed 31517624 (cited by Clinical Genomics, Uppaluri K&H Personalized Medicine Clinic); PubMed 32395877 (cited by Clinical Genomics, Uppaluri K&H Personalized Medicine Clinic); PubMed 35328643 (cited by Clinical Genomics, Uppaluri K&H Personalized Medicine Clinic); PubMed 35673428 (cited by Clinical Genomics, Uppaluri K&H Personalized Medicine Clinic).

NM_000545.8(HNF1A):c.710A>C (p.Asn237Thr)

Gene: HNF1A (HNF1 homeobox A; plus strand). Cytogenetic location: 12q24.31.
Variant type: single nucleotide variant.
Coding change: c.710A>C on transcript NM_000545.8 (MANE Select); coding-DNA position 710, A replaced by C.
Protein change: p.Asn237Thr; replaces asparagine 237 with threonine.
Molecular consequence: missense variant.
Genome position (GRCh38, 1-based): chr12:120,993,703, A>C. VCF-style: chr12-120993703-A-C. GRCh37 (hg19) VCF-style: chr12-121431506-A-C.
Other names: NM_000545.8(HNF1A):c.710A>C; p.Asn237Thr; c.710A>C, p.Asn237Thr (NM_001306179.2); short protein forms N237T.
Identifiers: ClinVar variation 447497 (VCV000447497.6), dbSNP rs1555211935, ClinGen allele CA386965452.